The following is an entry in ClinVar:

NM_012186.3(FOXE3):c.516G>A (p.Leu172=)

Genes: FOXE3 (forkhead box E3; plus strand), LINC01389 (long independently transcribed non-coding RNA 1389; minus strand). Cytogenetic location: 1p33.
Variant type: single nucleotide variant.
Coding change: c.516G>A on transcript NM_012186.3 (MANE Select); coding-DNA position 516, G replaced by A.
Protein change: p.Leu172=; no amino-acid change (leucine 172 retained).
Molecular consequence: synonymous variant.
Genome position (GRCh38, 1-based): chr1:47,416,831, G>A. VCF-style: chr1-47416831-G-A. GRCh37 (hg19) VCF-style: chr1-47882503-G-A.
Identifiers: ClinVar variation 3751948 (VCV003751948.2).

ClinVar aggregate classification (germline): Uncertain significance (1 of 4 stars; one submission).

Conditions:
Congenital primary aphakia. Also called: Anterior segment dysgenesis 2, multiple subtypes; ANTERIOR SEGMENT DYSGENESIS 2. Identifiers: Orphanet 83461, MedGen C1853230, MONDO:0012456, OMIM 610256.
Anterior segment dysgenesis. Also called: Ocular anterior segment dysgenesis. Identifiers: Orphanet 88632, MedGen C1862839, MONDO:0019503, HP:0007700.

Submission:

Labcorp Genetics (formerly Invitae), Labcorp
Classification: Uncertain significance for Anterior segment dysgenesis; Congenital primary aphakia. Last evaluated: 2025-03-05. Review status: criteria provided, single submitter. Criteria: Invitae Variant Classification Sherloc (09022015). Collection method: clinical testing. Allele origin: germline.
Comment: This sequence change affects codon 172 of the FOXE3 mRNA. It is a 'silent' change, meaning that it does not change the encoded amino acid sequence of the FOXE3 protein. The frequency data for this variant in the population databases is considered unreliable, as metrics indicate poor data quality at this position in the gnomAD database. This variant has not been reported in the literature in individuals affected with FOXE3-related conditions. In summary, the available evidence is currently insufficient to determine the role of this variant in disease. Therefore, it has been classified as a Variant of Uncertain Significance.